The following is an entry in ClinVar:

ClinVar aggregate classification (germline): Uncertain significance (1 of 4 stars; one submission).

Conditions:
Hereditary cancer-predisposing syndrome. Also called: Hereditary Cancer Syndrome; Tumor predisposition; Hereditary neoplastic syndrome; Neoplastic Syndromes, Hereditary. Identifiers: Orphanet 140162, MedGen C0027672, MeSH D009386, MONDO:0015356.

Submission:

Ambry Genetics
Classification: Uncertain significance for Hereditary cancer-predisposing syndrome. Last evaluated: 2024-11-12. Review status: criteria provided, single submitter. Criteria: Ambry Variant Classification Scheme 2023. Collection method: clinical testing. Allele origin: germline.
Comment: The p.V239A variant (also known as c.716T>C), located in coding exon 9 of the MUTYH gene, results from a T to C substitution at nucleotide position 716. The valine at codon 239 is replaced by alanine, an amino acid with similar properties. This amino acid position is conserved. In addition, this alteration is predicted to be deleterious by in silico analysis. Based on the available evidence, the clinical significance of this variant remains unclear.

NM_001048174.2(MUTYH):c.632T>C (p.Val211Ala)

Gene: MUTYH (mutY DNA glycosylase; minus strand). Cytogenetic location: 1p34.1.
Variant type: single nucleotide variant.
Coding change: c.632T>C on transcript NM_001048174.2 (MANE Select); coding-DNA position 632, T replaced by C.
Protein change: p.Val211Ala; replaces valine 211 with alanine.
Molecular consequence: missense variant. On other transcripts: non-coding transcript variant (7).
Genome position (GRCh38, 1-based): chr1:45,332,463, A>G on the plus strand (T>C on the coding strand, the complement: MUTYH is on the minus strand). VCF-style: chr1-45332463-A-G. GRCh37 (hg19) VCF-style: chr1-45798135-A-G.
Other names: c.632T>C, p.Val211Ala (NM_001048171.2, NM_001048173.2, NM_001293195.2 and 6 more transcripts); c.635T>C, p.Val212Ala (NM_001048172.2, NM_001407071.1, NM_001407078.1 and 1 more transcripts); c.716T>C, p.Val239Ala (NM_001128425.2); c.677T>C, p.Val226Ala (NM_001293190.2); c.665T>C, p.Val222Ala (NM_001293191.2, NM_001407069.1, NM_001407077.1); c.356T>C, p.Val119Ala (NM_001293192.2, NM_001293196.2, NM_001407091.1); c.287T>C, p.Val96Ala (NM_001350650.2, NM_001350651.2, NM_001407082.1); c.548T>C, p.Val183Ala (NM_001407075.1); and 5 more; short protein forms V119A, V183A, V212A, V218A, V225A, V222A, V239A, V197A.
Identifiers: ClinVar variation 3400121 (VCV003400121.1).